The following is an entry in ClinVar:

NM_000136.3(FANCC):c.804_807del (p.Asn267_Cys268insTer)

Genes: FANCC (FA complementation group C; minus strand), AOPEP (aminopeptidase O (putative); plus strand). Cytogenetic location: 9q22.32.
Variant type: Deletion.
Coding change: c.804_807del on transcript NM_000136.3 (MANE Select); coding-DNA positions 804 to 807, 4 bases deleted (TCTG; older notation c.804_807delTCTG).
Protein change: p.Asn267_Cys268insTer.
Molecular consequence: nonsense.
Genome position (GRCh38, 1-based): chr9:95,135,382-95,135,385, CAGA deleted on the plus strand (TCTG on the coding strand, the reverse complement: FANCC is on the minus strand); deleting any 4 consecutive bases within chr9:95,135,382-95,135,387 gives the same sequence; the c. name uses the placement nearest the transcript's 3' end. VCF-style (leftmost placement, unchanged base first): chr9-95135381-TCAGA-T. GRCh37 (hg19) VCF-style: chr9-97897663-TCAGA-T.
Other names: c.804_807del, p.Asn267_Cys268insTer (NM_001243743.2, NM_001243744.2); c.804_807delTCTG (NM_000136.2).
Identifiers: ClinVar variation 3597815 (VCV003597815.2).

ClinVar aggregate classification (germline): Likely pathogenic. Review status: criteria provided, multiple submitters, no conflicts (2 of 4 stars). 2 submissions from 2 submitters: Likely pathogenic (2). Last evaluated 2024-06-01.

Conditions:
Fanconi anemia complementation group C (FANCC). Also called: FANCONI PANCYTOPENIA, TYPE 3; FACC; FANCC-Related Fanconi Anemia; Fanconi anemia, group C. Identifiers: Orphanet 84, MedGen C3468041, MONDO:0009213, OMIM 227645.
Fanconi anemia (FA). Also called: Fanconi's anemia. Identifiers: Orphanet 84, MedGen C0015625, MeSH D005199, MONDO:0019391.

Submissions (2):

Fulgent Genetics
Classification: Likely pathogenic for Fanconi anemia complementation group C. Last evaluated: 2024-06-01. Review status: criteria provided, single submitter. Criteria: ACMG Guidelines, 2015. Collection method: clinical testing. Allele origin: germline.

Natera, Inc.
Classification: Likely pathogenic for Fanconi anemia. Last evaluated: 2024-04-02. Review status: criteria provided, single submitter. Criteria: Natera Variant Classification Schema (03/2026). Collection method: clinical testing. Allele origin: germline.
Comment: The c.804_807delTCTG variant in FANCC is a frameshift variant predicted to shift the reading frame and introduce a stop codon. This variant is expected to result in nonsense mediated decay, truncation, or a dysfunctional protein product. This variant is rare in the general population with a frequency below the threshold expected for the associated phenotype(s). Given the available evidence, this variant is classified as Likely Pathogenic.